The following is an entry in ClinVar:

NM_144736.5(NDUFAF7):c.187A>G (p.Met63Val)

Gene: NDUFAF7 (NADH:ubiquinone oxidoreductase complex assembly factor 7; plus strand). Cytogenetic location: 2p22.2.
Variant type: single nucleotide variant.
Coding change: c.187A>G on transcript NM_144736.5 (MANE Select); coding-DNA position 187, A replaced by G.
Protein change: p.Met63Val; replaces methionine 63 with valine.
Molecular consequence: missense variant. On other transcripts: non-coding transcript variant (10).
Genome position (GRCh38, 1-based): chr2:37,232,237, A>G. VCF-style: chr2-37232237-A-G. GRCh37 (hg19) VCF-style: chr2-37459380-A-G.
Other names: c.187A>G, p.Met63Val (NM_001083946.2, NM_001350024.2, NM_001350025.2 and 1 more transcripts); short protein forms M63V.
Identifiers: ClinVar variation 2070184 (VCV002070184.1), dbSNP rs144691511, ClinGen allele CA1617047.

ClinVar aggregate classification (germline): Uncertain significance (1 of 4 stars; one submission).

Allele frequency attached by ClinVar (database versions not stated): 1000 Genomes Project 30x 0.00047; gnomAD 0.00001; gnomAD exomes 0.00001; 1000 Genomes Project 0.00040; ExAC 0.00001.
gnomAD v4.1: 17 of 1,613,482 alleles (0.0011%); highest among the groups gnomAD compares: East Asian, 0.013%; no homozygotes.

Submission:

Labcorp Genetics (formerly Invitae), Labcorp
Classification: Uncertain significance. Last evaluated: 2021-12-22. Review status: criteria provided, single submitter. Criteria: Invitae Variant Classification Sherloc (09022015). Collection method: clinical testing. Allele origin: germline.
Comment: This sequence change replaces methionine, which is neutral and non-polar, with valine, which is neutral and non-polar, at codon 63 of the NDUFAF7 protein (p.Met63Val). This variant is present in population databases (rs144691511, gnomAD 0.01%). This variant has not been reported in the literature in individuals affected with NDUFAF7-related conditions. Algorithms developed to predict the effect of missense changes on protein structure and function are either unavailable or do not agree on the potential impact of this missense change (SIFT: "Deleterious"; PolyPhen-2: "Possibly Damaging"; Align-GVGD: "Class C15"). In summary, the available evidence is currently insufficient to determine the role of this variant in disease. Therefore, it has been classified as a Variant of Uncertain Significance.